The following is an entry in ClinVar:

NM_002206.3(ITGA7):c.2446C>T (p.Gln816Ter)

Genes: ITGA7 (integrin subunit alpha 7; minus strand), LOC126861535 (CDK7 strongly-dependent group 2 enhancer GRCh37_chr12:56087579-56088778; plus strand). Cytogenetic location: 12q13.2.
Variant type: single nucleotide variant.
Coding change: c.2446C>T on transcript NM_002206.3 (MANE Select); coding-DNA position 2446, C replaced by T.
Protein change: p.Gln816Ter; replaces glutamine 816 with a stop codon.
Molecular consequence: nonsense.
Genome position (GRCh38, 1-based): chr12:55,694,110, G>A on the plus strand (C>T on the coding strand, the complement: ITGA7 is on the minus strand). VCF-style: chr12-55694110-G-A. GRCh37 (hg19) VCF-style: chr12-56087894-G-A.
Other names: c.2458C>T, p.Gln820Ter (NM_001144996.2); c.2167C>T, p.Gln723Ter (NM_001144997.2); c.2119C>T, p.Gln707Ter (NM_001367993.1); c.1102C>T, p.Gln368Ter (NM_001367994.1); c.2428C>T, p.Gln810Ter (NM_001374465.1); c.2578C>T, p.Gln860Ter (NM_001410977.1); c.2440C>T, p.Gln814Ter (NM_001414029.1); c.2371C>T, p.Gln791Ter (NM_001414030.1); and 5 more; short protein forms Q723*, Q816*, Q368*, Q707*, Q820*, Q810*, Q860*, Q776*.
Identifiers: ClinVar variation 2154907 (VCV002154907.4), dbSNP rs1565620275, ClinGen allele CA385182688.
Genomic context (GRCh38, chr12:55,694,110, plus strand): 5'-CATCCCGCTCAGACTGCATGGCTCTCTCGCCCCTCACCACACCAGAGAAGAAGAGTTGCT[G>A]GGGAATGGCCATTCTGGCGTGGAGAGGTCAGAACAGGGGTGAGAAGGTCTGGGGCCTGGC-3'

ClinVar aggregate classification (germline): Pathogenic (1 of 4 stars; one submission).

Conditions:
Congenital muscular dystrophy due to integrin alpha-7 deficiency. Also called: MYOPATHY, CONGENITAL, DUE TO INTEGRIN ALPHA-7 DEFICIENCY; Congenital muscular dystrophy with integrin alpha-7 deficiency; Muscular dystrophy, congenital, due to ITGA7 deficiency. Identifiers: Orphanet 34520, MedGen C2750786, MONDO:0013177, OMIM 613204.

Allele frequency attached by ClinVar (database versions not stated): gnomAD exomes below 0.00001; gnomAD 0.00001.
gnomAD v4.1: 8 of 1,614,090 alleles (0.0005%); highest among the groups gnomAD compares: Non-Finnish European, 0.00068%; no homozygotes.

Submission:

Labcorp Genetics (formerly Invitae), Labcorp
Classification: Pathogenic for Congenital muscular dystrophy due to integrin alpha-7 deficiency. Last evaluated: 2022-11-08. Review status: criteria provided, single submitter. Criteria: Invitae Variant Classification Sherloc (09022015). Collection method: clinical testing. Allele origin: germline.
Comment: This sequence change creates a premature translational stop signal (p.Gln816*) in the ITGA7 gene. It is expected to result in an absent or disrupted protein product. Loss-of-function variants in ITGA7 are known to be pathogenic (PMID: 9590299). For these reasons, this variant has been classified as Pathogenic. This variant has not been reported in the literature in individuals affected with ITGA7-related conditions. This variant is not present in population databases (gnomAD no frequency).

Literature cited by the submitters: PubMed 9590299.